The following is an entry in ClinVar:

ClinVar aggregate classification (germline): Benign. Review status: criteria provided, multiple submitters, no conflicts (2 of 4 stars). 2 submissions from 2 submitters: Benign (2). Last evaluated 2018-06-16.

Allele frequency attached by ClinVar (database versions not stated): TOPMed 0.41026; gnomAD 0.42267; 1000 Genomes Project 30x 0.45831; 1000 Genomes Project 0.46226.
gnomAD v4.1: 429,271 of 1,063,812 alleles (40%); highest among the groups gnomAD compares: East Asian, 64%; 90,266 homozygotes.

Submissions (2):

GeneDx
Classification: Benign. Last evaluated: 2018-06-16. Review status: criteria provided, single submitter. Criteria: GeneDx Variant Classification (06012015). Collection method: clinical testing. Allele origin: germline. Affected: yes.
Comment: This variant is considered likely benign or benign based on one or more of the following criteria: it is a conservative change, it occurs at a poorly conserved position in the protein, it is predicted to be benign by multiple in silico algorithms, and/or has population frequency not consistent with disease.

Breakthrough Genomics
Classification: Benign. Review status: criteria provided, single submitter. Criteria: ACMG Guidelines, 2015. Collection method: not provided. Allele origin: germline. Inheritance: Autosomal dominant inheritance. Affected: yes.

NM_001035.3(RYR2):c.14091-62G>T

Gene: RYR2 (ryanodine receptor 2; plus strand). Cytogenetic location: 1q43.
Variant type: single nucleotide variant.
Coding change: c.14091-62G>T on transcript NM_001035.3 (MANE Select); 62 bases into the intron before coding-DNA position 14091, G replaced by T.
Molecular consequence: intron variant.
Genome position (GRCh38, 1-based): chr1:237,801,794, G>T. VCF-style: chr1-237801794-G-T. GRCh37 (hg19) VCF-style: chr1-237965094-G-T.
Identifiers: ClinVar variation 670947 (VCV000670947.2), dbSNP rs2794820, ClinGen allele CA10757363.
Genomic context (GRCh38, chr1:237,801,794, plus strand): 5'-TCGTTTCCCAAGAAGGTGTCCAAGTCTTGTCCCATTGAATGTGAAGGCCGTCAGGCTCTC[G>T]CAAGCCTATGAGTCTTTGGTTAATGTGCATAACTACGCATTTTTTTTTTTTGTCATTGCA-3'